The following is an entry in ClinVar:

NM_022041.4(GAN):c.1213C>A (p.Pro405Thr)

Gene: GAN (gigaxonin; plus strand). Cytogenetic location: 16q23.2.
Variant type: single nucleotide variant.
Coding change: c.1213C>A on transcript NM_022041.4 (MANE Select); coding-DNA position 1213, C replaced by A.
Protein change: p.Pro405Thr; replaces proline 405 with threonine.
Molecular consequence: missense variant.
Genome position (GRCh38, 1-based): chr16:81,363,920, C>A. VCF-style: chr16-81363920-C-A. GRCh37 (hg19) VCF-style: chr16-81397525-C-A.
Other names: c.574C>A, p.Pro192Thr (NM_001377486.1); short protein forms P192T, P405T.
Identifiers: ClinVar variation 1440251 (VCV001440251.8), dbSNP rs912274293, ClinGen allele CA396890721.

ClinVar aggregate classification (germline): Uncertain significance (1 of 4 stars; one submission).

Conditions:
Giant axonal neuropathy 1 (GAN1). Also called: GIANT AXONAL NEUROPATHY 1, AUTOSOMAL RECESSIVE; GAN-Related Neurodegeneration. Identifiers: Orphanet 643, MedGen C1850386, MONDO:0009749, OMIM 256850.

Submission:

Labcorp Genetics (formerly Invitae), Labcorp
Classification: Uncertain significance for Giant axonal neuropathy 1. Last evaluated: 2021-02-21. Review status: criteria provided, single submitter. Criteria: Invitae Variant Classification Sherloc (09022015). Collection method: clinical testing. Allele origin: germline.
Comment: Algorithms developed to predict the effect of missense changes on protein structure and function (SIFT, PolyPhen-2, Align-GVGD) all suggest that this variant is likely to be tolerated, but these predictions have not been confirmed by published functional studies and their clinical significance is uncertain. This variant has not been reported in the literature in individuals with GAN-related conditions. This variant is not present in population databases (ExAC no frequency). This sequence change replaces proline with threonine at codon 405 of the GAN protein (p.Pro405Thr). The proline residue is moderately conserved and there is a small physicochemical difference between proline and threonine. In summary, the available evidence is currently insufficient to determine the role of this variant in disease. Therefore, it has been classified as a Variant of Uncertain Significance.